The following is an entry in ClinVar:

ClinVar aggregate classification (germline): Pathogenic (1 of 4 stars; one submission).

Conditions:
Duchenne muscular dystrophy (DMD). Also called: MUSCULAR DYSTROPHY, PSEUDOHYPERTROPHIC PROGRESSIVE, DUCHENNE TYPE; Duchenne Muscular Dystrophy (DMD). Identifiers: Orphanet 98896, MedGen C0013264, MONDO:0010679, OMIM 310200.

Submission:

Labcorp Genetics (formerly Invitae), Labcorp
Classification: Pathogenic for Duchenne muscular dystrophy. Last evaluated: 2018-07-23. Review status: criteria provided, single submitter. Criteria: Invitae Variant Classification Sherloc (09022015). Collection method: clinical testing. Allele origin: germline.
Comment: This variant is an out-of-frame deletion of the genomic region encompassing exons 48-52 of the DMD gene. This creates a premature translational stop signal and is expected to result in an absent or disrupted protein product. This variant has been reported in several individuals affected with Becker muscular dystrophy (PMID: 8543940) and several individuals affected with Duchenne muscular dystrophy (PMID: 23299919, 26911353,9619643, 18752307, 15976104). Loss-of-function variants in DMD are known to be pathogenic (PMID: 16770791, 25007885). For these reasons, this variant has been classified as Pathogenic.

Literature cited by the submitters: PubMed 23299919; PubMed 8543940; PubMed 26911353; PubMed 9619643; PubMed 18752307; PubMed 15976104.

NC_000023.10:g.(?_31747728)_(31893510_?)del

Gene: DMD (dystrophin; minus strand). Cytogenetic location: Xp21.1.
Variant type: Deletion.
Identifiers: ClinVar variation 455800 (VCV000455800.2).